The following is an entry in ClinVar:

NM_000059.4(BRCA2):c.9802AGA[3] (p.Arg3269dup)

Gene: BRCA2 (BRCA2 DNA repair associated; plus strand). Cytogenetic location: 13q13.1.
Variant type: Microsatellite.
Coding change: c.9802AGA[3] on transcript NM_000059.4 (MANE Select); three copies in a row of the 3-base unit AGA starting at c.9802; the reference has two copies in a row; one copy, 3 bases duplicated.
Protein change: p.Arg3269dup; duplicates arginine 3269.
Molecular consequence: inframe insertion.
Genome position (GRCh38, 1-based): chr13:32,398,318-32,398,320, AGA duplicated; duplicating any 3 consecutive bases within chr13:32,398,315-32,398,320 gives the same sequence; the position shown is the placement nearest the transcript's 3' end. VCF-style (leftmost placement, unchanged base first): chr13-32398314-G-GAGA. GRCh37 (hg19) VCF-style: chr13-32972451-G-GAGA.
Identifiers: ClinVar variation 823496 (VCV000823496.4), dbSNP rs1593201853, ClinGen allele CA915948633.
Genomic context (GRCh38, chr13:32,398,314, plus strand): 5'-GATGACTTCAAAGTCTTGTAAAGGGGAGAAAGAGATTGATGACCAAAAGAACTGCAAAAA[G>GAGA]AGAAGAGCCTTGGATTTCTTGAGTAGACTGCCTTTACCTCCACCTGTTAGTCCCATTTGT-3'

ClinVar aggregate classification (germline): Uncertain significance (1 of 4 stars; one submission).

Conditions:
Hereditary cancer-predisposing syndrome. Also called: Tumor predisposition; Hereditary Cancer Syndrome; Neoplastic Syndromes, Hereditary; Hereditary neoplastic syndrome. Identifiers: Orphanet 140162, MedGen C0027672, MeSH D009386, MONDO:0015356.

Submission:

Ambry Genetics
Classification: Uncertain significance for Hereditary cancer-predisposing syndrome. Last evaluated: 2019-03-06. Review status: criteria provided, single submitter. Criteria: Ambry Variant Classification Scheme 2023. Collection method: clinical testing. Allele origin: germline.
Comment: The c.9805_9807dupAGA variant (also known as p.R3269dup), located in coding exon 26 of the BRCA2 gene, results from an in-frame duplication of AGA at nucleotide positions 9805 to 9807. This results in the duplication of an extra arginine residue between codons 3269 and 3270. This amino acid position is well conserved in available vertebrate species. Since supporting evidence is limited at this time, the clinical significance of this alteration remains unclear.